The following is an entry in ClinVar:

NM_000368.5(TSC1):c.2582del (p.Leu861fs)

Gene: TSC1 (TSC complex subunit 1; minus strand). Cytogenetic location: 9q34.13.
Variant type: Deletion.
Coding change: c.2582del on transcript NM_000368.5 (MANE Select); coding-DNA position 2582, one base deleted (T; older notation c.2582delT).
Protein change: p.Leu861fs; shifts the reading frame from leucine 861.
Molecular consequence: frameshift variant.
Genome position (GRCh38, 1-based): chr9:132,900,758, A deleted on the plus strand (T on the coding strand, the reverse complement: TSC1 is on the minus strand). VCF-style (leftmost placement, unchanged base first): chr9-132900757-GA-G. GRCh37 (hg19) VCF-style: chr9-135776144-GA-G.
Other names: c.2582delT (NM_000368.5); c.2579del, p.Leu860fs (NM_001162426.2); c.2429del, p.Leu810fs (NM_001162427.2); c.2219del, p.Leu740fs (NM_001362177.2); short protein forms L740fs, L810fs, L860fs, L861fs.
Identifiers: ClinVar variation 64820 (VCV000064820.3), dbSNP rs397514865, ClinGen allele CA006685.

ClinVar aggregate classification (germline): Pathogenic. Review status: criteria provided, single submitter (1 of 4 stars). 2 submissions from 2 submitters: Pathogenic (1). 1 of the submissions does not count toward it. Last evaluated 2020-07-10.

Conditions:
Tuberous sclerosis 1 (TSC1). Identifiers: Orphanet 805, MedGen C1854465, MONDO:0008612, OMIM 191100.
Tuberous sclerosis syndrome (TSC). Also called: Tuberous Sclerosis Complex; Tuberous sclerosis. Identifiers: Orphanet 805, MedGen C0041341, MONDO:0001734.

Submissions (2):

Division of Genomic Medicine, Department of Advanced Medicine, Medical Research Institute, Kanazawa Medical University
Classification: Pathogenic for Tuberous sclerosis 1. Last evaluated: 2020-07-10. Review status: criteria provided, single submitter. Criteria: ACMG Guidelines, 2015. Collection method: clinical testing. Allele origin: germline. Affected: yes. Observed: 2 variant alleles.

Tuberous sclerosis database (TSC1)
No classification provided. Condition: TSC. Review status: no classification provided. Criteria: Tuberous Sclerosis Database Assertion Criteria 2015. Collection method: curation. Allele origin: germline. Affected: yes. Not counted in ClinVar's aggregate classification.